The following is an entry in ClinVar:

NM_198253.3(TERT):c.427C>T (p.Arg143Cys)

Gene: TERT (telomerase reverse transcriptase; minus strand). Cytogenetic location: 5p15.33.
Variant type: single nucleotide variant.
Coding change: c.427C>T on transcript NM_198253.3 (MANE Select); coding-DNA position 427, C replaced by T.
Protein change: p.Arg143Cys; replaces arginine 143 with cysteine.
Molecular consequence: missense variant. On other transcripts: non-coding transcript variant (2).
Genome position (GRCh38, 1-based): chr5:1,294,459, G>A on the plus strand (C>T on the coding strand, the complement: TERT is on the minus strand). VCF-style: chr5-1294459-G-A. GRCh37 (hg19) VCF-style: chr5-1294574-G-A.
Other names: c.427C>T, p.Arg143Cys (NM_001193376.3); short protein forms R143C.
Identifiers: ClinVar variation 1006147 (VCV001006147.9), dbSNP rs1751246930, ClinGen allele CA359058054.

ClinVar aggregate classification (germline): Uncertain significance (1 of 4 stars; one submission).

Conditions:
Dyskeratosis congenita, autosomal dominant 2. Identifiers: MedGen C3151443, MONDO:0013521, OMIM 613989.
Idiopathic Pulmonary Fibrosis. Also called: Idiopathic fibrosing alveolitis, chronic form; idiopathic fibrosing alveolitis. Identifiers: Orphanet 2032, MedGen C1800706, MeSH D054990, MONDO:0800504.

Submission:

Labcorp Genetics (formerly Invitae), Labcorp
Classification: Uncertain significance for Dyskeratosis congenita, autosomal dominant 2; Idiopathic Pulmonary Fibrosis. Last evaluated: 2025-10-23. Review status: criteria provided, single submitter. Criteria: Invitae Variant Classification Sherloc (09022015). Collection method: clinical testing. Allele origin: germline.
Comment: This sequence change replaces arginine, which is basic and polar, with cysteine, which is neutral and slightly polar, at codon 143 of the TERT protein (p.Arg143Cys). This variant is not present in population databases (gnomAD no frequency). This variant has not been reported in the literature in individuals affected with TERT-related conditions. ClinVar contains an entry for this variant (Variation ID: 1006147). Invitae Evidence Modeling of protein sequence and biophysical properties (such as structural, functional, and spatial information, amino acid conservation, physicochemical variation, residue mobility, and thermodynamic stability) indicates that this missense variant is expected to disrupt TERT protein function with a positive predictive value of 95%. In summary, the available evidence is currently insufficient to determine the role of this variant in disease. Therefore, it has been classified as a Variant of Uncertain Significance.